The following is an entry in ClinVar:

NM_000443.4(ABCB4):c.355T>C (p.Tyr119His)

Gene: ABCB4 (ATP binding cassette subfamily B member 4; minus strand). Cytogenetic location: 7q21.12.
Variant type: single nucleotide variant.
Coding change: c.355T>C on transcript NM_000443.4 (MANE Select); coding-DNA position 355, T replaced by C.
Protein change: p.Tyr119His; replaces tyrosine 119 with histidine.
Molecular consequence: missense variant.
Genome position (GRCh38, 1-based): chr7:87,453,125, A>G on the plus strand (T>C on the coding strand, the complement: ABCB4 is on the minus strand). VCF-style: chr7-87453125-A-G. GRCh37 (hg19) VCF-style: chr7-87082441-A-G.
Other names: c.355T>C, p.Tyr119His (NM_018849.3, NM_018850.3); short protein forms Y119H.
Identifiers: ClinVar variation 4780722 (VCV004780722.1).
Genomic context (GRCh38, chr7:87,453,125, plus strand): 5'-TCCAAAATGAAACTTGTATATAGGCAGCAACAAGAACTCCAGCACCCAATCCTGAGTAGT[A>G]ATATGCATATCTGAAAAAAAAGAGAAAGGCTCTATTAAATACCTTCTCTTTTCTTTTTTC-3'
Protein context (NP_000434.1, residues 109-129): LEEEMTRYAY[Tyr119His]YSGLGAGVLV

ClinVar aggregate classification (germline): Uncertain significance (1 of 4 stars; one submission).

Submission:

Labcorp Genetics (formerly Invitae), Labcorp
Classification: Uncertain significance. Last evaluated: 2025-06-12. Review status: criteria provided, single submitter. Criteria: Invitae Variant Classification Sherloc (09022015). Collection method: clinical testing. Allele origin: germline.
Comment: This sequence change replaces tyrosine, which is neutral and polar, with histidine, which is basic and polar, at codon 119 of the ABCB4 protein (p.Tyr119His). This variant is not present in population databases (gnomAD no frequency). This variant has not been reported in the literature in individuals affected with ABCB4-related conditions. Invitae Evidence Modeling of protein sequence and biophysical properties (such as structural, functional, and spatial information, amino acid conservation, physicochemical variation, residue mobility, and thermodynamic stability) has been performed for this missense variant. However, the output from this modeling did not meet the statistical confidence thresholds required to predict the impact of this variant on ABCB4 protein function. In summary, the available evidence is currently insufficient to determine the role of this variant in disease. Therefore, it has been classified as a Variant of Uncertain Significance.